The following is an entry in ClinVar:

ClinVar aggregate classification (germline): Uncertain significance (0 of 4 stars; one submission).

Conditions:
ERF-related disorder. Also called: ERF-related disorders; ERF-related condition.

gnomAD v4.1: 1 of 1,606,008 alleles (0.000062%); highest among the groups gnomAD compares: Non-Finnish European, 0.000085%; no homozygotes.

Submission:

PreventionGenetics, part of Exact Sciences
Classification: Uncertain significance for ERF-related condition. Last evaluated: 2024-03-28. Review status: no assertion criteria provided. Collection method: clinical testing. Allele origin: germline.
Comment: The ERF c.1165C>T variant is predicted to result in the amino acid substitution p.Arg389Trp. To our knowledge, this variant has not been reported in the literature or in a large population database, indicating this variant is rare. At this time, the clinical significance of this variant is uncertain due to the absence of conclusive functional and genetic evidence.

NM_006494.4(ERF):c.1165C>T (p.Arg389Trp)

Gene: ERF (ETS2 repressor factor; minus strand). Cytogenetic location: 19q13.2.
Variant type: single nucleotide variant.
Coding change: c.1165C>T on transcript NM_006494.4 (MANE Select); coding-DNA position 1165, C replaced by T.
Protein change: p.Arg389Trp; replaces arginine 389 with tryptophan.
Molecular consequence: missense variant.
Genome position (GRCh38, 1-based): chr19:42,248,947, G>A on the plus strand (C>T on the coding strand, the complement: ERF is on the minus strand). VCF-style: chr19-42248947-G-A. GRCh37 (hg19) VCF-style: chr19-42753099-G-A.
Other names: c.940C>T, p.Arg314Trp (NM_001301035.2, NM_001308402.2, NM_001312656.2); short protein forms R314W, R389W.
Identifiers: ClinVar variation 3348451 (VCV003348451.1).